The following is an entry in ClinVar:

ClinVar aggregate classification (germline): Likely benign. Review status: criteria provided, multiple submitters, no conflicts (2 of 4 stars). 2 submissions from 2 submitters: Likely benign (2). Last evaluated 2024-11-25.

Conditions:
BBS4-related disorder. Also called: BBS4-related condition.
Bardet-Biedl syndrome (BBS). Identifiers: Orphanet 110, MedGen C0752166, MONDO:0015229.

Allele frequency attached by ClinVar (database versions not stated): gnomAD 0.00001; gnomAD exomes 0.00001.
gnomAD v4.1: 12 of 1,613,994 alleles (0.00074%); highest among the groups gnomAD compares: African/African-American, 0.0013%; no homozygotes.

Submissions (2):

PreventionGenetics, part of Exact Sciences
Classification: Likely benign for BBS4-related condition. Last evaluated: 2024-11-25. Review status: criteria provided, single submitter. Criteria: ACMG Guidelines, 2015. Collection method: clinical testing. Allele origin: germline.
Comment: This variant is classified as likely benign based on ACMG/AMP sequence variant interpretation guidelines (Richards et al. 2015 PMID: 25741868, with internal and published modifications).

Labcorp Genetics (formerly Invitae), Labcorp
Classification: Likely benign for Bardet-Biedl syndrome. Last evaluated: 2024-01-29. Review status: criteria provided, single submitter. Criteria: Invitae Variant Classification Sherloc (09022015). Collection method: clinical testing. Allele origin: germline.

NM_033028.5(BBS4):c.987G>A (p.Ala329=)

Gene: BBS4 (Bardet-Biedl syndrome 4; plus strand). Cytogenetic location: 15q24.1.
Variant type: single nucleotide variant.
Coding change: c.987G>A on transcript NM_033028.5 (MANE Select); coding-DNA position 987, G replaced by A.
Protein change: p.Ala329=; no amino-acid change (alanine 329 retained).
Molecular consequence: synonymous variant. On other transcripts: non-coding transcript variant (2).
Genome position (GRCh38, 1-based): chr15:72,731,677, G>A. VCF-style: chr15-72731677-G-A. GRCh37 (hg19) VCF-style: chr15-73024018-G-A.
Other names: c.987G>A (NM_033028.4); c.471G>A, p.Ala157= (NM_001252678.2); c.918G>A, p.Ala306= (NM_001320665.2).
Identifiers: ClinVar variation 1475621 (VCV001475621.9), dbSNP rs1296549307, ClinGen allele CA491476971.
Genomic context (GRCh38, chr15:72,731,677, plus strand): 5'-TTTGGGCCTTGTCCATTTGACCATGCAGCAGTATGCATCAGCTTTTCATTTTCTCAGTGC[G>A]GCCATCAACTTCCAGCCAAAGATGGGGGAGCTCTACATGCTCTTGGCAGGTAAGAAACAT-3'
Protein context (NP_149017.2, residues 319-339): QYASAFHFLS[Ala329=]AINFQPKMGE